The following is an entry in ClinVar:

NM_001200016.2(NAA80):c.433C>T (p.Arg145Trp)

Genes: HYAL3 (hyaluronidase 3; minus strand), NAA80 (N-alpha-acetyltransferase 80, NatH catalytic subunit; minus strand). Cytogenetic location: 3p21.31.
Variant type: single nucleotide variant.
Coding change: c.433C>T on transcript NM_001200016.2 (MANE Select); coding-DNA position 433, C replaced by T.
Protein change: p.Arg145Trp; replaces arginine 145 with tryptophan.
Molecular consequence: missense variant. On other transcripts: intron variant (5).
Genome position (GRCh38, 1-based): chr3:50,297,031, G>A on the plus strand (C>T on the coding strand, the complement: NAA80 is on the minus strand). VCF-style: chr3-50297031-G-A. GRCh37 (hg19) VCF-style: chr3-50334462-G-A.
Other names: c.433C>T, p.Arg145Trp (NM_001200018.2); c.499C>T, p.Arg167Trp (NM_012191.4); c.3-2178C>T (NM_001200032.2, NM_001200031.2); c.-17-1412C>T (NM_001200030.2, NM_003549.4, NM_001200029.2); short protein forms R145W, R167W.
Identifiers: ClinVar variation 3777825 (VCV003777825.7).

ClinVar aggregate classification (germline): Likely benign (1 of 4 stars; one submission).

gnomAD v4.1: 7,989 of 1,540,522 alleles (0.52%); highest among the groups gnomAD compares: Non-Finnish European, 0.6%; 26 homozygotes.

Submission:

CeGaT Center for Human Genetics Tuebingen
Classification: Likely benign. Last evaluated: 2025-03-01. Review status: criteria provided, single submitter. Criteria: CeGaT Center For Human Genetics Tuebingen Variant Classification Criteria Version 2. Collection method: clinical testing. Allele origin: germline. Affected: yes. Observed: 1 variant allele.
Comment: NAA80: BP4, BS2